The following is an entry in ClinVar:

NM_000350.3(ABCA4):c.6446G>T (p.Arg2149Leu)

Gene: ABCA4 (ATP binding cassette subfamily A member 4; minus strand). Cytogenetic location: 1p22.1.
Variant type: single nucleotide variant.
Coding change: c.6446G>T on transcript NM_000350.3 (MANE Select); coding-DNA position 6446, G replaced by T.
Protein change: p.Arg2149Leu; replaces arginine 2149 with leucine.
Molecular consequence: missense variant.
Genome position (GRCh38, 1-based): chr1:94,000,869, C>A on the plus strand (G>T on the coding strand, the complement: ABCA4 is on the minus strand). VCF-style: chr1-94000869-C-A. GRCh37 (hg19) VCF-style: chr1-94466425-C-A.
Other names: c.6224G>T, p.Arg2075Leu (NM_001425324.1); short protein forms R2149L, R2075L.
Identifiers: ClinVar variation 99461 (VCV000099461.5), dbSNP rs61750655, ClinGen allele CA227406.

ClinVar aggregate classification (germline): Likely pathogenic. Review status: criteria provided, single submitter (1 of 4 stars). 2 submissions from 2 submitters: Likely pathogenic (1). 1 of the submissions does not count toward it. Last evaluated 2022-06-08.

Allele frequency attached by ClinVar (database versions not stated): TOPMed 0.00001.

Submissions (2):

Labcorp Genetics (formerly Invitae), Labcorp
Classification: Likely pathogenic. Last evaluated: 2022-06-08. Review status: criteria provided, single submitter. Criteria: Invitae Variant Classification Sherloc (09022015). Collection method: clinical testing. Allele origin: germline.
Comment: In summary, the currently available evidence indicates that the variant is pathogenic, but additional data are needed to prove that conclusively. Therefore, this variant has been classified as Likely Pathogenic. This variant disrupts the p.Arg2149 amino acid residue in ABCA4. Other variant(s) that disrupt this residue have been determined to be pathogenic (Invitae). This suggests that this residue is clinically significant, and that variants that disrupt this residue are likely to be disease-causing. Algorithms developed to predict the effect of missense changes on protein structure and function are either unavailable or do not agree on the potential impact of this missense change (SIFT: "Tolerated"; PolyPhen-2: "Benign"; Align-GVGD: "Class C25"). ClinVar contains an entry for this variant (Variation ID: 99461). This missense change has been observed in individual(s) with clinical features of retinal dystrophy and/or Stargardt disease (PMID: 11702214, 14709597; Invitae). In at least one individual the data is consistent with being in trans (on the opposite chromosome) from a pathogenic variant. This variant is present in population databases (rs61750655, gnomAD 0.007%). This sequence change replaces arginine, which is basic and polar, with leucine, which is neutral and non-polar, at codon 2149 of the ABCA4 protein (p.Arg2149Leu).

Retina International
No classification provided. Review status: no classification provided. Collection method: not provided. Allele origin: not provided. Not counted in ClinVar's aggregate classification.

Literature cited by the submitters: PubMed 11702214 (cited by Labcorp Genetics (formerly Invitae), Labcorp); PubMed 14709597 (cited by Labcorp Genetics (formerly Invitae), Labcorp).